The following is an entry in ClinVar:

NM_000243.3(MEFV):c.334G>A (p.Glu112Lys)

Gene: MEFV (MEFV innate immunity regulator, pyrin; minus strand). Cytogenetic location: 16p13.3.
Variant type: single nucleotide variant.
Coding change: c.334G>A on transcript NM_000243.3 (MANE Select); coding-DNA position 334, G replaced by A.
Protein change: p.Glu112Lys; replaces glutamic acid 112 with lysine.
Molecular consequence: missense variant. On other transcripts: intron variant (1).
Genome position (GRCh38, 1-based): chr16:3,254,734, C>T on the plus strand (G>A on the coding strand, the complement: MEFV is on the minus strand). VCF-style: chr16-3254734-C-T. GRCh37 (hg19) VCF-style: chr16-3304734-C-T.
Other names: c.277+1577G>A (NM_001198536.2); short protein forms E112K.
Identifiers: ClinVar variation 968200 (VCV000968200.8), dbSNP rs1185925415, ClinGen allele CA394482352.

ClinVar aggregate classification (germline): Uncertain significance. Review status: criteria provided, multiple submitters, no conflicts (2 of 4 stars). 2 submissions from 2 submitters: Uncertain significance (2). Last evaluated 2025-09-25.

Conditions:
Familial Mediterranean fever (FMF). Also called: POLYSEROSITIS, FAMILIAL PAROXYSMAL; POLYSEROSITIS, RECURRENT; Periodic peritonitis; Benign paroxysmal peritonitis. Identifiers: Orphanet 342, MedGen C0031069, MONDO:0018088, OMIM 249100. Disease mechanism: gain of function.
Inborn genetic diseases. Identifiers: MedGen C0950123, MeSH D030342.

Allele frequency attached by ClinVar (database versions not stated): gnomAD exomes below 0.00001.
gnomAD v4.1: 2 of 1,612,786 alleles (0.00012%); highest among the groups gnomAD compares: Non-Finnish European, 0.00017%; no homozygotes.

Submissions (2):

Ambry Genetics
Classification: Uncertain significance for Inborn genetic diseases. Last evaluated: 2025-09-25. Review status: criteria provided, single submitter. Criteria: Ambry Variant Classification Scheme 2023. Collection method: clinical testing. Allele origin: germline.

Labcorp Genetics (formerly Invitae), Labcorp
Classification: Uncertain significance for Familial Mediterranean fever. Last evaluated: 2021-08-28. Review status: criteria provided, single submitter. Criteria: Invitae Variant Classification Sherloc (09022015). Collection method: clinical testing. Allele origin: germline.
Comment: This sequence change replaces glutamic acid with lysine at codon 112 of the MEFV protein (p.Glu112Lys). The glutamic acid residue is moderately conserved and there is a small physicochemical difference between glutamic acid and lysine. This variant is not present in population databases (ExAC no frequency). This variant has not been reported in the literature in individuals affected with MEFV-related conditions. Algorithms developed to predict the effect of missense changes on protein structure and function are either unavailable or do not agree on the potential impact of this missense change (SIFT: "Deleterious"; PolyPhen-2: "Possibly Damaging"; Align-GVGD: "Class C0"). In summary, the available evidence is currently insufficient to determine the role of this variant in disease. Therefore, it has been classified as a Variant of Uncertain Significance.